The following is an entry in ClinVar:

NM_182914.3(SYNE2):c.18274C>T (p.His6092Tyr)

Gene: SYNE2 (spectrin repeat containing nuclear envelope protein 2; plus strand). Cytogenetic location: 14q23.2.
Variant type: single nucleotide variant.
Coding change: c.18274C>T on transcript NM_182914.3 (MANE Select); coding-DNA position 18274, C replaced by T.
Protein change: p.His6092Tyr; replaces histidine 6092 with tyrosine.
Molecular consequence: missense variant.
Genome position (GRCh38, 1-based): chr14:64,208,830, C>T. VCF-style: chr14-64208830-C-T. GRCh37 (hg19) VCF-style: chr14-64675548-C-T.
Other names: c.18274C>T, p.His6092Tyr (NM_015180.6); short protein forms H6092Y.
Identifiers: ClinVar variation 1429824 (VCV001429824.6), dbSNP rs891176573, ClinGen allele CA261822079.
Genomic context (GRCh38, chr14:64,208,830, plus strand): 5'-GATATTGAACAACACAGCGCAGGGGTGGAGTCCGTGTTTAACATCTGTGACGTCCTACTG[C>T]ACGACTCCGATGCCTGTGCAAATGAGACCGAGTGTGACTCGATCCAGCAGACCACCAGGA-3'
Protein context (NP_878918.2, residues 6082-6102): SVFNICDVLL[His6092Tyr]DSDACANETE

ClinVar aggregate classification (germline): Uncertain significance (1 of 4 stars; one submission).

Conditions:
Emery-Dreifuss muscular dystrophy 5, autosomal dominant (EDMD5). Also called: EMERY-DREIFUSS MUSCULAR DYSTROPHY 5. Identifiers: Orphanet 261, MedGen C2751805, MONDO:0013072, OMIM 612999.

Allele frequency attached by ClinVar (database versions not stated): gnomAD exomes below 0.00001; TOPMed below 0.00001.
gnomAD v4.1: 3 of 1,614,226 alleles (0.00019%); highest among the groups gnomAD compares: Admixed American, 0.0017%; no homozygotes.

Submission:

Labcorp Genetics (formerly Invitae), Labcorp
Classification: Uncertain significance for Emery-Dreifuss muscular dystrophy 5, autosomal dominant. Last evaluated: 2022-08-15. Review status: criteria provided, single submitter. Criteria: Invitae Variant Classification Sherloc (09022015). Collection method: clinical testing. Allele origin: germline.
Comment: In summary, the available evidence is currently insufficient to determine the role of this variant in disease. Therefore, it has been classified as a Variant of Uncertain Significance. Algorithms developed to predict the effect of sequence changes on RNA splicing suggest that this variant may create or strengthen a splice site. Algorithms developed to predict the effect of missense changes on protein structure and function are either unavailable or do not agree on the potential impact of this missense change (SIFT: "Deleterious"; PolyPhen-2: "Probably Damaging"; Align-GVGD: "Class C0"). ClinVar contains an entry for this variant (Variation ID: 1429824). This variant has not been reported in the literature in individuals affected with SYNE2-related conditions. This variant is not present in population databases (gnomAD no frequency). This sequence change replaces histidine, which is basic and polar, with tyrosine, which is neutral and polar, at codon 6092 of the SYNE2 protein (p.His6092Tyr).